The following is an entry in ClinVar:

NM_001127221.2(CACNA1A):c.5578T>C (p.Ser1860Pro)

Gene: CACNA1A (calcium voltage-gated channel subunit alpha1 A; minus strand). Cytogenetic location: 19p13.13.
Variant type: single nucleotide variant.
Coding change: c.5578T>C on transcript NM_001127221.2 (MANE Plus Clinical); coding-DNA position 5578, T replaced by C.
Protein change: p.Ser1860Pro; replaces serine 1860 with proline.
Molecular consequence: missense variant. On other transcripts: intron variant (4).
Genome position (GRCh38, 1-based): chr19:13,228,749, A>G on the plus strand (T>C on the coding strand, the complement: CACNA1A is on the minus strand). VCF-style: chr19-13228749-A-G. GRCh37 (hg19) VCF-style: chr19-13339563-A-G.
Other names: c.5529-1222T>C (NM_001127222.2); c.5538-1222T>C (NM_001174080.2); c.5547-1222T>C (NM_000068.4, NM_023035.3); short protein forms S1860P.
Identifiers: ClinVar variation 1311627 (VCV001311627.6), dbSNP rs374688464, ClinGen allele CA9239689.

ClinVar aggregate classification (germline): Conflicting classifications of pathogenicity. Review status: criteria provided, conflicting classifications (1 of 4 stars). 2 submissions from 2 submitters: Uncertain significance (1); Likely benign (1). Last evaluated 2023-11-20.

Conditions:
Episodic ataxia type 2 (EA2). Also called: ATAXIA, EPISODIC, WITH NYSTAGMUS; ATAXIA, FAMILIAL PAROXYSMAL; CEREBELLAR ATAXIA, PAROXYSMAL, ACETAZOLAMIDE-RESPONSIVE; CEREBELLOPATHY, HEREDITARY PAROXYSMAL; EPISODIC ATAXIA, NYSTAGMUS-ASSOCIATED; ACETAZOLAMIDE-RESPONSIVE HEREDITARY PAROXYSMAL CEREBELLAR ATAXIA. Identifiers: Orphanet 97, MedGen C1720416, MONDO:0007163, OMIM 108500.
Developmental and epileptic encephalopathy, 42 (DEE42A). Also called: Epileptic encephalopathy, early infantile, 42; DEVELOPMENTAL AND EPILEPTIC ENCEPHALOPATHY 42A; EPILEPTIC ENCEPHALOPATHY, EARLY INFANTILE, 42A. Identifiers: MedGen C4310716, MONDO:0014917, OMIM 617106.

Allele frequency attached by ClinVar (database versions not stated): TOPMed 0.00001; gnomAD 0.00003 and 0.00004; gnomAD exomes 0.00003; ExAC 0.00006; ESP Exome Variant Server 0.00010.
gnomAD v4.1: 37 of 1,602,438 alleles (0.0023%); highest among the groups gnomAD compares: African/African-American, 0.0027%; no homozygotes.

Submissions (2):

Labcorp Genetics (formerly Invitae), Labcorp
Classification: Likely benign for Developmental and epileptic encephalopathy, 42; Episodic ataxia type 2. Last evaluated: 2023-11-20. Review status: criteria provided, single submitter. Criteria: Invitae Variant Classification Sherloc (09022015). Collection method: clinical testing. Allele origin: germline.

GeneDx
Classification: Uncertain significance. Last evaluated: 2019-12-23. Review status: criteria provided, single submitter. Criteria: GeneDx Variant Classification Process June 2021. Collection method: clinical testing. Allele origin: germline. Affected: yes.
Comment: In silico analysis, which includes protein predictors and evolutionary conservation, supports a deleterious effect; Has not been previously published as pathogenic or benign to our knowledge